The following continues an entry in ClinVar:

NM_007294.4(BRCA1):c.5266dup (p.Gln1756fs)

Gene: BRCA1. ClinVar aggregate classification (germline): Pathogenic. Pathogenic (1).

Submissions 49 to 66 of 101:

National Health Laboratory Service, Universitas Academic Hospital and University of the Free State
Classification: Pathogenic for Hereditary breast ovarian cancer syndrome. Last evaluated: 2021-11-16. Review status: criteria provided, single submitter. Criteria: ACMG Guidelines, 2015. Collection method: clinical testing. Allele origin: germline. Affected: yes. Observed: 1 variant allele. Not counted in ClinVar's aggregate classification.

Institute for Clinical Genetics, University Hospital TU Dresden, University Hospital TU Dresden
Classification: Pathogenic. Last evaluated: 2021-11-03. Review status: criteria provided, single submitter. Criteria: ACMG Guidelines, 2015. Collection method: clinical testing. Allele origin: germline. Not counted in ClinVar's aggregate classification.

Johns Hopkins Genomics, Johns Hopkins University
Classification: Pathogenic for Breast-ovarian cancer, familial, susceptibility to, 1. Last evaluated: 2021-10-29. Review status: criteria provided, single submitter. Criteria: ACMG Guidelines, 2015. Collection method: clinical testing. Allele origin: germline. Not counted in ClinVar's aggregate classification.
Comment: This BRCA1 variant (rs80357906) is rare (<0.1%) in a large population dataset (gnomAD: 51/282892 total alleles, 0.018%, no homozygotes) and has been reported in ClinVar. This frameshift variant results in a premature stop codon in exon 19 of 23 likely leading to nonsense-mediated decay and lack of protein production. This variant, also known as 5382insC and 5385insC in the literature, is a common cause of breast and ovarian cancer in the Ashkenazi Jewish population and has been reported in individuals from other ethnicities. This variant has been associated with a 67% to 89% risk of breast cancer by age 70, and a 33% to 42% risk of ovarian cancer by age 70. We consider c.5266dupC to be pathogenic.

Genetics and Molecular Pathology, SA Pathology
Classification: Pathogenic for Breast-ovarian cancer, familial, susceptibility to, 1. Last evaluated: 2021-08-23. Review status: criteria provided, single submitter. Criteria: ACMG Guidelines, 2015. Collection method: clinical testing. Allele origin: germline. Affected: yes. Not counted in ClinVar's aggregate classification.

GeneKor MSA
Classification: Pathogenic for Hereditary breast ovarian cancer syndrome. Last evaluated: 2021-01-09. Review status: criteria provided, single submitter. Criteria: ACMG Guidelines, 2015. Collection method: clinical testing. Allele origin: germline. Affected: yes. Not counted in ClinVar's aggregate classification.
Comment: This mutation is an insertion of one nucleotide (cytosine), resulting in a frameshift and the creation of a novel translational termination codon after 74 amino acid residues. The protein product thus produced is truncated and non-functional. This mutation has been described in the international bibliography and has been shown to be a founder mutation in a number of ethnic groups (PMID: 12142080). This mutation has been described in the mutation database ClinVar (Variation ID:17677).

Institute of Medical Genetics and Applied Genomics, University Hospital Tübingen
Classification: Pathogenic. Last evaluated: 2020-10-23. Review status: criteria provided, single submitter. Criteria: ACMG Guidelines, 2015. Collection method: clinical testing. Allele origin: germline. Inheritance: Unknown mechanism. Affected: yes. Not counted in ClinVar's aggregate classification.

Department of Molecular Diagnostics, Institute of Oncology Ljubljana
Classification: Pathogenic for Breast-ovarian cancer, familial, susceptibility to, 1. Last evaluated: 2020-04-02. Review status: criteria provided, single submitter. Criteria: ACMG Guidelines, 2015. Collection method: clinical testing. Allele origin: germline. Affected: yes. Not counted in ClinVar's aggregate classification.

GeneDx
Classification: Pathogenic. Last evaluated: 2020-02-12. Review status: criteria provided, single submitter. Criteria: GeneDx Variant Classification Process June 2021. Collection method: clinical testing. Allele origin: germline. Affected: yes. Not counted in ClinVar's aggregate classification.
Comment: Frameshift variant predicted to result in protein truncation in a gene for which loss-of-function is a known mechanism of disease; Truncating variants in this gene are considered pathogenic by a well-established clinical consortium and/or database; Also known as 5382insC or 5385insC; This variant is associated with the following publications: (PMID: 25859162, 25849179, 27160020, 26843898, 26852130, 26833046, 27025497, 27062684, 26681312, 29790872, 26440929, 30067863, 31336956, 32854451, 24372583, 21119707, 26656232, 26083025, 25476495, 24528374, 25195694, 22032251, 7894492, 16168118, 27223485, 26779294, 27433846, 26666763, 26718727, 29478780, 27425403, 22009639, 20569256, 21503673, 23232912, 20345474, 22430266, 29335925, 28285342, 22535016, 29339979, 23954390, 29433453, 29335924, 29492181, 21834074, 24737347, 19359128, 27914478, 28324225, 22666503, 27989354, 29907814, 20730485, 28091860, 28503720, 26556299, 10464624, 28423363, 20507347, 22006311, 25980754, 21324516, 29310832, 30333958, 30159786, 29161300, 30606148, 30152102, 28049106, 28111427, 30186769, 29961768, 30322717, 31090900, 31159747, 30113427, 23199084, 8841191, 30676620, 30489631, 31454914, 12771565, 31528241, 27741520, 29625052, 26689913, 32058061, 31447099, 32039725)

Centre for Mendelian Genomics, University Medical Centre Ljubljana
Classification: Pathogenic for Familial cancer of breast. Last evaluated: 2019-06-03. Review status: criteria provided, single submitter. Criteria: ACMG Guidelines, 2015. Collection method: clinical testing. Allele origin: unknown. Affected: yes. Not counted in ClinVar's aggregate classification.
Comment: This variant was classified as: Pathogenic. The following ACMG criteria were applied in classifying this variant: PVS1,PS1.

Mendelics
Classification: Pathogenic for Breast-ovarian cancer, familial, susceptibility to, 1. Last evaluated: 2019-05-28. Review status: criteria provided, single submitter. Criteria: Mendelics Assertion Criteria 2017. Collection method: clinical testing. Allele origin: unknown. Not counted in ClinVar's aggregate classification.

Bioinformatics dept., Datar Cancer Genetics Limited, India
Classification: Pathogenic for 604370. Last evaluated: 2017-07-21. Review status: criteria provided, single submitter. Criteria: ACMG Guidelines, 2015. Collection method: clinical testing. Allele origin: germline. Inheritance: Autosomal dominant inheritance. Observed: 1 variant allele, 1 heterozygote. Not counted in ClinVar's aggregate classification.

Human Genome Sequencing Center Clinical Lab, Baylor College of Medicine
Classification: Pathogenic for Breast-ovarian cancer, familial, susceptibility to, 1. Last evaluated: 2017-05-25. Review status: criteria provided, single submitter. Criteria: ACMG Guidelines, 2015. Collection method: clinical testing. Allele origin: germline. Not counted in ClinVar's aggregate classification.
Comment: The c.5266dup (p.Gln1756Profs*74) variant in the BRCA1 gene has been detected multiple patients with breast cancer and/or ovarian cancer [PMID 7894492, 26718727, 20569256, 21503673, 23232912, 26666763, 22430266, 19359128, 20730485, 22032251, 21324516, among others, referred as 5382C in some publications], pancreatic cancer [PMID 24737347, 26440929] and prostate cancer [PMID 27433846 ]. This variant is a founder mutation in the Ashkenazi Jewish population and is found with a high prevalence in Poland and Eastern Europe [PMID 20569256, 20345474, 20507347]. The estimated risk for carriers of this variant was 89% for breast cancer and 42% for ovarian cancer by age 70 [PMID 22430266]. This one bp duplication in exon 19 results in a frameshift and the creation of a premature stop codon. This variant is thus predicted to result in a loss of function of the protein. This variant has been detected in 19 individuals from the ExAC database. This variant thus classified as pathogenic.

Baylor Genetics
Classification: Pathogenic for Familial cancer of breast. Last evaluated: 2017-02-23. Review status: criteria provided, single submitter. Criteria: ACMG Guidelines, 2015. Collection method: clinical testing. Allele origin: germline. Inheritance: Autosomal dominant inheritance. Affected: yes. Observed: 1 variant allele. Not counted in ClinVar's aggregate classification.

Institute for Biomarker Research, Medical Diagnostic Laboratories, L.L.C.
Classification: Pathogenic for Hereditary breast and ovarian cancer syndrome(HBOC). Last evaluated: 2017-02-14. Review status: criteria provided, single submitter. Criteria: ACMG Guidelines, 2015. Collection method: clinical testing. Allele origin: germline. Not counted in ClinVar's aggregate classification.

CHEO Genetics Diagnostic Laboratory, Children's Hospital of Eastern Ontario
Classification: Pathogenic for Hereditary breast ovarian cancer syndrome. Last evaluated: 2017-02-02. Review status: criteria provided, single submitter. Criteria: ACMG Guidelines, 2015. Collection method: clinical testing. Allele origin: germline. Study: The Canadian Open Genetics Repository (COGR). Not counted in ClinVar's aggregate classification.

Genologica Medica
Classification: Pathogenic for Breast-ovarian cancer, familial, susceptibility to, 1. Last evaluated: 2017-01-01. Review status: criteria provided, single submitter. Criteria: ACMG Guidelines, 2015. Collection method: clinical testing. Allele origin: germline. Affected: yes. Not counted in ClinVar's aggregate classification.

Women's Health and Genetics/Laboratory Corporation of America, LabCorp
Classification: Pathogenic for Hereditary breast ovarian cancer syndrome. Last evaluated: 2016-04-22. Review status: criteria provided, single submitter. Criteria: LabCorp Variant Classification Summary - May 2015. Collection method: clinical testing. Allele origin: germline. Not counted in ClinVar's aggregate classification.
Comment: Variant summary: The BRCA1 c.5266dupC variant results in a frameshift, which alters the protein's amino acid sequence beginning at position 1756 and leads to a premature termination codon 73 amino acids downstream. It is predicted to cause a truncated or absent BRCA1 protein due to non-sense meditated decay, which are commonly known mechanisms for disease. Truncations downstream of this position have been classified as pathogenic by our laboratory (such as c.5387C>A/p.Ser1796X, c.5417delC/Pro1806fsX28, etc). Mutation Taster predicts a damaging outcome for this variant, and functional studies have shown HR activity is significantly impaired by this variant (Bouwman_BRCA1_Cancer Discovery_2013). BRCA1 c.5266dupC was found in 19/121412 control chromosomes at a frequency of 0.0001565, which does not exceed maximal expected frequency of a pathogenic BRCA1 allele (0.0010005). The variant has been cited in hundreds of HBOC patients and is reported as a known common founder mutation in the literature. Additionally, this variant has been classified by multiple clinical labs and databases as pathogenic. Taken together, this variant was classified as disease variant/pathogenic.

HudsonAlpha Institute for Biotechnology
Classification: Pathogenic for Breast-ovarian cancer, familial, susceptibility to, 1. Last evaluated: 2015-12-10. Review status: criteria provided, single submitter. Criteria: HA_assertions_20150911. Collection method: research. Allele origin: unknown. Observed: 1 variant allele. Study: CSER-HudsonAlpha. Not counted in ClinVar's aggregate classification.